The following is an entry in ClinVar:

NM_000535.7(PMS2):c.640G>A (p.Val214Met)

Gene: PMS2 (PMS1 homolog 2, mismatch repair system component; minus strand). Cytogenetic location: 7p22.1.
Variant type: single nucleotide variant.
Coding change: c.640G>A on transcript NM_000535.7 (MANE Select); coding-DNA position 640, G replaced by A.
Protein change: p.Val214Met; replaces valine 214 with methionine.
Molecular consequence: missense variant. On other transcripts: 5 prime UTR variant (2), non-coding transcript variant (1), intron variant (1).
Genome position (GRCh38, 1-based): chr7:5,999,173, C>T on the plus strand (G>A on the coding strand, the complement: PMS2 is on the minus strand). VCF-style: chr7-5999173-C-T. GRCh37 (hg19) VCF-style: chr7-6038804-C-T.
Other names: c.235G>A, p.Val79Met (NM_001018040.1, NM_001322003.2, NM_001322004.2 and 20 more transcripts); c.640G>A, p.Val214Met (NM_001322006.2, NM_001322014.2, NM_001406870.1 and 4 more transcripts); c.322G>A, p.Val108Met (NM_001322007.2, NM_001322008.2, NM_001406876.1 and 4 more transcripts); c.-294G>A (NM_001322011.2, NM_001322012.2); c.331G>A, p.Val111Met (NM_001322015.2, NM_001406875.1, NM_001406877.1 and 6 more transcripts); c.826G>A, p.Val276Met (NM_001406866.1); c.664G>A, p.Val222Met (NM_001406868.1); c.304G>A, p.Val102Met (NM_001406885.1); and 1 more; short protein forms V102M, V108M, V222M, V276M, V214M, V111M, V79M.
Identifiers: ClinVar variation 1982197 (VCV001982197.5), dbSNP rs2128800396, ClinGen allele CA366743933.

ClinVar aggregate classification (germline): Uncertain significance. Review status: criteria provided, multiple submitters, no conflicts (2 of 4 stars). 3 submissions from 3 submitters: Uncertain significance (3). Last evaluated 2025-09-18.

Conditions:
Hereditary nonpolyposis colorectal neoplasms. Identifiers: MedGen C0009405, MeSH D003123.
Hereditary cancer-predisposing syndrome. Also called: Tumor predisposition; Hereditary neoplastic syndrome; Neoplastic Syndromes, Hereditary; Hereditary Cancer Syndrome. Identifiers: Orphanet 140162, MedGen C0027672, MeSH D009386, MONDO:0015356.

gnomAD v4.1: 2 of 1,614,148 alleles (0.00012%); highest among the groups gnomAD compares: East Asian, 0.0022%; no homozygotes.

Submissions (3):

Color Diagnostics, LLC DBA Color Health
Classification: Uncertain significance for Hereditary cancer-predisposing syndrome. Last evaluated: 2025-09-18. Review status: criteria provided, single submitter. Criteria: ACMG Guidelines, 2015. Collection method: clinical testing. Allele origin: germline.
Comment: This missense variant replaces valine with methionine at codon 214 of the PMS2 protein. Computational prediction suggests that this variant may not impact protein structure and function. To our knowledge, functional studies have not been reported for this variant. This variant has not been reported in individuals affected with PMS2-related disorders in the literature. This variant has not been identified in the general population by the Genome Aggregation Database (gnomAD). The available evidence is insufficient to determine the role of this variant in disease conclusively. Therefore, this variant is classified as a Variant of Uncertain Significance.

Ambry Genetics
Classification: Uncertain significance for Hereditary cancer-predisposing syndrome. Last evaluated: 2024-02-02. Review status: criteria provided, single submitter. Criteria: Ambry Variant Classification Scheme 2023. Collection method: clinical testing. Allele origin: germline.
Comment: The p.V214M variant (also known as c.640G>A), located in coding exon 6 of the PMS2 gene, results from a G to A substitution at nucleotide position 640. The valine at codon 214 is replaced by methionine, an amino acid with highly similar properties. This amino acid position is conserved. In addition, the in silico prediction for this alteration is inconclusive. Based on the available evidence, the clinical significance of this alteration remains unclear.

Labcorp Genetics (formerly Invitae), Labcorp
Classification: Uncertain significance for Hereditary nonpolyposis colorectal neoplasms. Last evaluated: 2022-10-25. Review status: criteria provided, single submitter. Criteria: Invitae Variant Classification Sherloc (09022015). Collection method: clinical testing. Allele origin: germline.
Comment: In summary, the available evidence is currently insufficient to determine the role of this variant in disease. Therefore, it has been classified as a Variant of Uncertain Significance. This sequence change replaces valine, which is neutral and non-polar, with methionine, which is neutral and non-polar, at codon 214 of the PMS2 protein (p.Val214Met). This variant is not present in population databases (gnomAD no frequency). This variant has not been reported in the literature in individuals affected with PMS2-related conditions. Advanced modeling of protein sequence and biophysical properties (such as structural, functional, and spatial information, amino acid conservation, physicochemical variation, residue mobility, and thermodynamic stability) has been performed at Invitae for this missense variant, however the output from this modeling did not meet the statistical confidence thresholds required to predict the impact of this variant on PMS2 protein function. Algorithms developed to predict the effect of sequence changes on RNA splicing suggest that this variant may create or strengthen a splice site.